The following is an entry in ClinVar:

ClinVar aggregate classification (germline): Uncertain significance (1 of 4 stars; one submission).

Conditions:
Charcot-Marie-Tooth disease type 2. Also called: Charcot-Marie-Tooth type 2. Identifiers: Orphanet 64746, MedGen C0270914, MONDO:0018993.

Allele frequency attached by ClinVar (database versions not stated): TOPMed 0.00001.

Submission:

Labcorp Genetics (formerly Invitae), Labcorp
Classification: Uncertain significance for Charcot-Marie-Tooth disease type 2. Last evaluated: 2024-10-23. Review status: criteria provided, single submitter. Criteria: Invitae Variant Classification Sherloc (09022015). Collection method: clinical testing. Allele origin: germline.
Comment: This sequence change falls in intron 4 of the BSCL2 gene. It does not directly change the encoded amino acid sequence of the BSCL2 protein. It affects a nucleotide within the consensus splice site. This variant is not present in population databases (gnomAD no frequency). This variant has not been reported in the literature in individuals affected with BSCL2-related conditions. ClinVar contains an entry for this variant (Variation ID: 934422). Variants that disrupt the consensus splice site are a relatively common cause of aberrant splicing (PMID: 17576681, 9536098). Algorithms developed to predict the effect of sequence changes on RNA splicing suggest that this variant may disrupt the consensus splice site. In summary, the available evidence is currently insufficient to determine the role of this variant in disease. Therefore, it has been classified as a Variant of Uncertain Significance.

Literature cited by the submitters: PubMed 17576681; PubMed 9536098.

NM_001122955.4(BSCL2):c.630+5G>T

Genes: BSCL2 (BSCL2 lipid droplet biogenesis associated, seipin; minus strand), HNRNPUL2-BSCL2 (HNRNPUL2-BSCL2 readthrough (NMD candidate); minus strand). Cytogenetic location: 11q12.3.
Variant type: single nucleotide variant.
Coding change: c.630+5G>T on transcript NM_001122955.4 (MANE Select); 5 bases into the intron after coding-DNA position 630, G replaced by T.
Molecular consequence: intron variant.
Genome position (GRCh38, 1-based): chr11:62,694,563, C>A on the plus strand (G>T on the coding strand, the complement: BSCL2 is on the minus strand). VCF-style: chr11-62694563-C-A. GRCh37 (hg19) VCF-style: chr11-62462035-C-A.
Other names: c.438+5G>T (NM_001130702.2, NM_032667.6); c.630+5G>T (NM_001386028.1, NM_001386027.1).
Identifiers: ClinVar variation 934422 (VCV000934422.7), dbSNP rs906321138, ClinGen allele CA223633106.